The following is an entry in ClinVar:

ClinVar aggregate classification (germline): Pathogenic/Likely pathogenic. Review status: criteria provided, multiple submitters, no conflicts (2 of 4 stars). 2 submissions from 2 submitters: Pathogenic (1); Likely pathogenic (1). Last evaluated 2026-01-26.

Conditions:
Alport syndrome. Also called: Hemorrhagic familial nephritis; Hemorrhagic hereditary nephritis; Congenital hereditary hematuria. Identifiers: Orphanet 63, MedGen C1567741, MONDO:0018965.

Submissions (2):

Labcorp Genetics (formerly Invitae), Labcorp
Classification: Pathogenic. Last evaluated: 2026-01-26. Review status: criteria provided, single submitter. Criteria: Invitae Variant Classification Sherloc (09022015). Collection method: clinical testing. Allele origin: germline.
Comment: This sequence change creates a premature translational stop signal (p.Ala289Valfs*34) in the COL4A3 gene. It is expected to result in an absent or disrupted protein product. Loss-of-function variants in COL4A3 are known to be pathogenic (PMID: 8956999, 24854265, 26809805, 27281700). This variant is not present in population databases (gnomAD no frequency). This variant has not been reported in the literature in individuals affected with COL4A3-related conditions. For these reasons, this variant has been classified as Pathogenic.

Natera, Inc.
Classification: Likely pathogenic for Alport syndrome. Last evaluated: 2025-12-30. Review status: criteria provided, single submitter. Criteria: Natera Variant Classification Schema (03/2026). Collection method: clinical testing. Allele origin: germline.
Comment: The c.866del variant in COL4A3 is a frameshift variant predicted to shift the reading frame beginning at codon 289 and leads to a stop codon 34 codons downstream. This variant is expected to result in nonsense mediated decay, truncation, or a dysfunctional protein product. This variant is rare in the general population with a frequency below the threshold expected for the associated phenotype(s). Given the available evidence, this variant is classified as Likely Pathogenic.

Literature cited by the submitters: PubMed 8956999 (cited by Labcorp Genetics (formerly Invitae), Labcorp); PubMed 24854265 (cited by Labcorp Genetics (formerly Invitae), Labcorp); PubMed 26809805 (cited by Labcorp Genetics (formerly Invitae), Labcorp); PubMed 27281700 (cited by Labcorp Genetics (formerly Invitae), Labcorp).

NM_000091.5(COL4A3):c.866del (p.Ala289fs)

Genes: COL4A3 (collagen type IV alpha 3 chain; plus strand), MFF-DT (MFF divergent transcript; minus strand). Cytogenetic location: 2q36.3.
Variant type: Deletion.
Coding change: c.866del on transcript NM_000091.5 (MANE Select); coding-DNA position 866, one base deleted (C; older notation c.866delC).
Protein change: p.Ala289fs; shifts the reading frame from alanine 289.
Molecular consequence: frameshift variant.
Genome position (GRCh38, 1-based): chr2:227,254,693, C deleted. VCF-style (leftmost placement, unchanged base first): chr2-227254692-GC-G. GRCh37 (hg19) VCF-style: chr2-228119408-GC-G.
Other names: c.866delC, p.Ala289Valfs (NM_000091.4); c.866del (NM_000091.4); short protein forms A289fs.
Identifiers: ClinVar variation 4807050 (VCV004807050.2).
Genomic context (GRCh38, chr2:227,254,692, plus strand): 5'-TTGACATGGCTCTAATTAATACAGGGACTGCCTGGAGAATCATATGGATCTGAAAAGGGT[GC>G]TCCTGGAGACCCTGGCCTGCAGGTAAATTTGGAAATTCGGTGTCATGTGCAGTTTTGATT-3'